The following is an entry in ClinVar:

NM_000431.4(MVK):c.943C>G (p.Leu315Val)

Gene: MVK (mevalonate kinase; plus strand). Cytogenetic location: 12q24.11.
Variant type: single nucleotide variant.
Coding change: c.943C>G on transcript NM_000431.4 (MANE Select); coding-DNA position 943, C replaced by G.
Protein change: p.Leu315Val; replaces leucine 315 with valine.
Molecular consequence: missense variant. On other transcripts: non-coding transcript variant (4).
Genome position (GRCh38, 1-based): chr12:109,595,085, C>G. VCF-style: chr12-109595085-C-G. GRCh37 (hg19) VCF-style: chr12-110032890-C-G.
Other names: c.943C>G (NM_000431.3); c.943C>G, p.Leu315Val (NM_001114185.3, NM_001414511.1, NM_001414513.1); c.787C>G, p.Leu263Val (NM_001301182.2, NM_001414514.1); c.1018C>G, p.Leu340Val (NM_001414512.1); c.361C>G, p.Leu121Val (NM_001414515.1); short protein forms L121V, L263V, L315V, L340V.
Identifiers: ClinVar variation 2503919 (VCV002503919.28), dbSNP rs2548641225, ClinGen allele CA386650574.

ClinVar aggregate classification (germline): Conflicting classifications of pathogenicity. Review status: criteria provided, conflicting classifications (1 of 4 stars). 2 submissions from 2 submitters: Likely pathogenic (1); Uncertain significance (1). Last evaluated 2023-06-01.

Allele frequency attached by ClinVar (database versions not stated): gnomAD exomes below 0.00001.
gnomAD v4.1: 1 of 1,614,208 alleles (0.000062%); highest among the groups gnomAD compares: Non-Finnish European, 0.000085%; no homozygotes.

Submissions (2):

CeGaT Center for Human Genetics Tuebingen
Classification: Likely pathogenic. Last evaluated: 2023-06-01. Review status: criteria provided, single submitter. Criteria: CeGaT Center For Human Genetics Tuebingen Variant Classification Criteria Version 2. Collection method: clinical testing. Allele origin: germline. Affected: yes. Observed: 1 variant allele.
Comment: MVK: PM1, PM2, PM3

Women's Health and Genetics/Laboratory Corporation of America, LabCorp
Classification: Uncertain significance. Last evaluated: 2023-04-24. Review status: criteria provided, single submitter. Criteria: LabCorp Variant Classification Summary - May 2015. Collection method: clinical testing. Allele origin: germline.
Comment: Variant summary: MVK c.943C>G (p.Leu315Val) results in a conservative amino acid change located in the GHMP kinase, C-terminal domain (IPR013750) of the encoded protein sequence. Four of five in-silico tools predict a damaging effect of the variant on protein function. The variant was absent in 251400 control chromosomes (gnomAD). The available data on variant occurrences in the general population are insufficient to allow any conclusion about variant significance. c.943C>G has been reported in the literature in at-least one individual affected with hereditary recurrent fever (example: Papa_2017). These data do not allow any conclusion about variant significance. To our knowledge, no experimental evidence demonstrating an impact on protein function has been reported. No clinical diagnostic laboratories have submitted clinical-significance assessments for this variant to ClinVar after 2014. Based on the evidence outlined above, the variant was classified as uncertain significance.

Literature cited by the submitters: PubMed 29047407 (cited by Women's Health and Genetics/Laboratory Corporation of America, LabCorp).